The following is an entry in ClinVar:

ClinVar aggregate classification (germline): Uncertain significance. Review status: criteria provided, multiple submitters, no conflicts (2 of 4 stars). 2 submissions from 2 submitters: Uncertain significance (2). Last evaluated 2023-08-07.

Conditions:
Limb-girdle muscular dystrophy due to POMK deficiency. Also called: MUSCULAR DYSTROPHY-DYSTROGLYCANOPATHY, LIMB-GIRDLE, POMK-RELATED; Muscular dystrophy-dystroglycanopathy (limb-girdle), type c, 12. Identifiers: Orphanet 445110, MedGen C4015184, MONDO:0014489, OMIM 616094.
Muscular dystrophy-dystroglycanopathy (congenital with brain and eye anomalies), type a, 12 (MDDGA12). Also called: WALKER-WARBURG SYNDROME OR MUSCLE-EYE-BRAIN DISEASE, POMK-RELATED. Identifiers: Orphanet 899, MedGen C3808964, MONDO:0014101, OMIM 615249.

Allele frequency attached by ClinVar (database versions not stated): TOPMed 0.00001; gnomAD 0.00004; gnomAD exomes 0.00004; ExAC 0.00014.

Submissions (2):

Revvity Omics, Revvity
Classification: Uncertain significance. Last evaluated: 2023-08-07. Review status: criteria provided, single submitter. Criteria: ACMG Guidelines, 2015. Collection method: clinical testing. Allele origin: germline.

Labcorp Genetics (formerly Invitae), Labcorp
Classification: Uncertain significance for Muscular dystrophy-dystroglycanopathy (congenital with brain and eye anomalies), type a, 12; Limb-girdle muscular dystrophy due to POMK deficiency. Last evaluated: 2022-07-29. Review status: criteria provided, single submitter. Criteria: Invitae Variant Classification Sherloc (09022015). Collection method: clinical testing. Allele origin: germline.
Comment: This sequence change replaces alanine, which is neutral and non-polar, with threonine, which is neutral and polar, at codon 13 of the POMK protein (p.Ala13Thr). This variant is present in population databases (no rsID available, gnomAD 0.07%). This variant has not been reported in the literature in individuals affected with POMK-related conditions. Algorithms developed to predict the effect of missense changes on protein structure and function output the following: SIFT: "Tolerated"; PolyPhen-2: "Benign"; Align-GVGD: "Class C0". The threonine amino acid residue is found in multiple mammalian species, which suggests that this missense change does not adversely affect protein function. In summary, the available evidence is currently insufficient to determine the role of this variant in disease. Therefore, it has been classified as a Variant of Uncertain Significance.

NM_032237.5(POMK):c.37G>A (p.Ala13Thr)

Gene: POMK (protein O-mannose kinase; plus strand). Cytogenetic location: 8p11.21.
Variant type: single nucleotide variant.
Coding change: c.37G>A on transcript NM_032237.5 (MANE Select); coding-DNA position 37, G replaced by A.
Protein change: p.Ala13Thr; replaces alanine 13 with threonine.
Molecular consequence: missense variant.
Genome position (GRCh38, 1-based): chr8:43,103,585, G>A. VCF-style: chr8-43103585-G-A. GRCh37 (hg19) VCF-style: chr8-42958728-G-A.
Other names: c.37G>A, p.Ala13Thr (NM_001277971.2); short protein forms A13T.
Identifiers: ClinVar variation 1962085 (VCV001962085.4), dbSNP rs1375419528, ClinGen allele CA4736171.